The following is an entry in ClinVar:

ClinVar aggregate classification (germline): Conflicting classifications of pathogenicity. Review status: criteria provided, conflicting classifications (1 of 4 stars). 5 submissions from 5 submitters: Pathogenic (1); Likely pathogenic (3); Uncertain significance (1). Last evaluated 2024-12-10.

Conditions:
WFS1-related disorder. Identifiers: MedGen CN379391, MONDO:0700293.
Autosomal dominant nonsyndromic hearing loss 6 (LFSNHL). Also called: Autosomal dominant nonsyndromic deafness 6; DEAFNESS, AUTOSOMAL DOMINANT 6; DEAFNESS, AUTOSOMAL DOMINANT 14; DEAFNESS, AUTOSOMAL DOMINANT 38. Identifiers: Orphanet 90635, MedGen C1833021, MONDO:0010963, OMIM 600965.
Cataract 41 (CTRCT41). Also called: CATARACT 41, CONGENITAL NUCLEAR TYPE. Identifiers: Orphanet 91492, Orphanet 98991, Orphanet 98992, Orphanet 98995, MedGen C3805412, MONDO:0007287, OMIM 116400.
Wolfram-like syndrome. Also called: HEARING LOSS, PROGRESSIVE, WITH OPTIC ATROPHY AND/OR IMPAIRED GLUCOSE REGULATION. Identifiers: Orphanet 411590, MedGen C3280358, MONDO:0013673, OMIM 614296.
Type 2 diabetes mellitus. Also called: Type II diabetes mellitus. Identifiers: MedGen C0011860, MeSH D003924, MONDO:0005148, OMIM 125853, HP:0005978.
Wolfram syndrome 1 (WFS1). Identifiers: Orphanet 3463, MedGen C4551693, MONDO:0009101, OMIM 222300.

Allele frequency attached by ClinVar (database versions not stated): gnomAD exomes 0.00002 and 0.00003; ExAC 0.00003; TOPMed 0.00003; gnomAD 0.00004.
gnomAD v4.1: 50 of 1,612,704 alleles (0.0031%); highest among the groups gnomAD compares: Admixed American, 0.005%; no homozygotes.

Submissions (5):

Labcorp Genetics (formerly Invitae), Labcorp
Classification: Uncertain significance. Last evaluated: 2024-12-10. Review status: criteria provided, single submitter. Criteria: Invitae Variant Classification Sherloc (09022015). Collection method: clinical testing. Allele origin: germline.
Comment: This sequence change replaces glutamic acid, which is acidic and polar, with lysine, which is basic and polar, at codon 717 of the WFS1 protein (p.Glu717Lys). This variant is present in population databases (rs71532863, gnomAD 0.01%). This missense change has been observed in individual(s) with autosomal recessive Wolfram syndrome and/or clinical features of Wolfram syndrome (PMID: 11244483, 12955714, 21143470, 37510321). ClinVar contains an entry for this variant (Variation ID: 449390). Invitae Evidence Modeling of protein sequence and biophysical properties (such as structural, functional, and spatial information, amino acid conservation, physicochemical variation, residue mobility, and thermodynamic stability) has been performed for this missense variant. However, the output from this modeling did not meet the statistical confidence thresholds required to predict the impact of this variant on WFS1 protein function. In summary, the available evidence is currently insufficient to determine the role of this variant in disease. Therefore, it has been classified as a Variant of Uncertain Significance.

Blueprint Genetics
Classification: Pathogenic for WFS1-related disorders. Last evaluated: 2024-08-20. Review status: criteria provided, single submitter. Criteria: ACMG Guidelines, 2015. Collection method: clinical testing. Allele origin: germline. Affected: yes. Observed: 5 variant alleles.

ARUP Laboratories, Molecular Genetics and Genomics, ARUP Laboratories
Classification: Likely pathogenic. Last evaluated: 2024-06-21. Review status: criteria provided, single submitter. Criteria: ARUP Molecular Germline Variant Investigation Process 2024. Collection method: clinical testing. Allele origin: germline.
Comment: The WFS1 c.2149G>A; p.Glu717Lys variant (rs71532863, ClinVar Variation ID: 449390) is reported in the literature in individuals affected with Wolfram syndrome and optic atrophy who had another pathogenic variant detected, although phase of variants was not provided(Alimadadi 2011, Areblom 2023, Cryns 2003). Of these individuals, four siblings were affected and had the same genotype (Alimadadi 2011). At least one heterozygous individual affected with major depression has been reported (Munshani 2021). This variant is found in the general population with an overall allele frequency of 0.002% (6/249022 alleles) in the Genome Aggregation Database (v2.1.1). Computational analyses predict that this variant is deleterious (REVEL: 0.817). Based on available information, this variant is considered to be likely pathogenic. References: Alimadadi A et al. Novel mutations of wolframin: a report with a look at the protein structure. Clin Genet. 2011 Jan;79(1):96-9. PMID: 21143470. Cryns K et al. Mutational spectrum of the WFS1 gene in Wolfram syndrome, nonsyndromic hearing impairment, diabetes mellitus, and psychiatric disease. Hum Mutat. 2003 Oct;22(4):275-87. PMID: 12955714. Areblom M et al. A Description of the Yield of Genetic Reinvestigation in Patients with Inherited Retinal Dystrophies and Previous Inconclusive Genetic Testing. Genes (Basel). 2023 Jul 8;14(7):1413. PMID: 37510321. Munshani S et al. The Impact of Mutations in Wolframin on Psychiatric Disorders. Front Pediatr. 2021 Oct 21;9:718132. PMID: 34746052.

Fulgent Genetics
Classification: Likely pathogenic for Cataract 41; Type 2 diabetes mellitus; Wolfram syndrome 1; Autosomal dominant nonsyndromic hearing loss 6; Wolfram-like syndrome. Last evaluated: 2024-04-03. Review status: criteria provided, single submitter. Criteria: ACMG Guidelines, 2015. Collection method: clinical testing. Allele origin: germline.

GeneDx
Classification: Likely pathogenic. Last evaluated: 2024-02-09. Review status: criteria provided, single submitter. Criteria: GeneDx Variant Classification Process June 2021. Collection method: clinical testing. Allele origin: germline. Affected: yes.
Comment: In silico analysis supports that this missense variant does not alter protein structure/function; This variant is associated with the following publications: (PMID: 12955714, 21143470, 34746052, 36208030, 37510321)

Literature cited by the submitters: PubMed 11244483 (cited by Labcorp Genetics (formerly Invitae), Labcorp); PubMed 12955714 (cited by Labcorp Genetics (formerly Invitae), Labcorp); PubMed 21143470 (cited by Labcorp Genetics (formerly Invitae), Labcorp); PubMed 37510321 (cited by Labcorp Genetics (formerly Invitae), Labcorp).

NM_006005.3(WFS1):c.2149G>A (p.Glu717Lys)

Gene: WFS1 (wolframin ER transmembrane glycoprotein; plus strand). Cytogenetic location: 4p16.1.
Variant type: single nucleotide variant.
Coding change: c.2149G>A on transcript NM_006005.3 (MANE Select); coding-DNA position 2149, G replaced by A.
Protein change: p.Glu717Lys; replaces glutamic acid 717 with lysine.
Molecular consequence: missense variant.
Genome position (GRCh38, 1-based): chr4:6,301,944, G>A. VCF-style: chr4-6301944-G-A. GRCh37 (hg19) VCF-style: chr4-6303671-G-A.
Other names: c.2149G>A, p.Glu717Lys (NM_001145853.1); short protein forms E717K.
Identifiers: ClinVar variation 449390 (VCV000449390.10), dbSNP rs71532863, ClinGen allele CA2839622.